The following is an entry in ClinVar:

NM_001367624.2(ZNF469):c.3677A>G (p.Lys1226Arg)

Gene: ZNF469 (zinc finger protein 469; plus strand). Cytogenetic location: 16q24.2.
Variant type: single nucleotide variant.
Coding change: c.3677A>G on transcript NM_001367624.2 (MANE Select); coding-DNA position 3677, A replaced by G.
Protein change: p.Lys1226Arg; replaces lysine 1226 with arginine.
Molecular consequence: missense variant.
Genome position (GRCh38, 1-based): chr16:88,431,147, A>G. VCF-style: chr16-88431147-A-G. GRCh37 (hg19) VCF-style: chr16-88497555-A-G.
Other names: NM_001127464.1:c.3593A>G; short protein forms K1226R.
Identifiers: ClinVar variation 1502912 (VCV001502912.6), dbSNP rs1008306980, ClinGen allele CA397086120.
Genomic context (GRCh38, chr16:88,431,147, plus strand): 5'-CCACCAACACCGAGACCTCAGAGGAAACCCGCCCGTCGCTGGACTTTCCCCAGGAGGCCA[A>G]GGAGCCTGAAACTGCCGAAGAGTCAGCCCCGGACAGCACAGAATTCACAGAGGCTTTGCG-3'
Protein context (NP_001354553.1, residues 1216-1236): RPSLDFPQEA[Lys1226Arg]EPETAEESAP

ClinVar aggregate classification (germline): Uncertain significance. Review status: criteria provided, multiple submitters, no conflicts (2 of 4 stars). 2 submissions from 2 submitters: Uncertain significance (2). Last evaluated 2024-03-07.

Conditions:
Cardiovascular phenotype. Identifiers: MedGen CN230736.

gnomAD v4.1: 7 of 1,550,090 alleles (0.00045%); highest among the groups gnomAD compares: Admixed American, 0.002%; no homozygotes.

Submissions (2):

Ambry Genetics
Classification: Uncertain significance for Cardiovascular phenotype. Last evaluated: 2024-03-07. Review status: criteria provided, single submitter. Criteria: Ambry Variant Classification Scheme 2023. Collection method: clinical testing. Allele origin: germline.
Comment: The p.K1198R variant (also known as c.3593A>G), located in coding exon 2 of the ZNF469 gene, results from an A to G substitution at nucleotide position 3593. The lysine at codon 1198 is replaced by arginine, an amino acid with highly similar properties. This amino acid position is conserved. In addition, this alteration is predicted to be tolerated by in silico analysis. Based on the available evidence, the clinical significance of this alteration remains unclear.

Labcorp Genetics (formerly Invitae), Labcorp
Classification: Uncertain significance. Last evaluated: 2022-06-23. Review status: criteria provided, single submitter. Criteria: Invitae Variant Classification Sherloc (09022015). Collection method: clinical testing. Allele origin: germline.
Comment: This sequence change replaces lysine, which is basic and polar, with arginine, which is basic and polar, at codon 1198 of the ZNF469 protein (p.Lys1198Arg). This variant is not present in population databases (gnomAD no frequency). This variant has not been reported in the literature in individuals affected with ZNF469-related conditions. Algorithms developed to predict the effect of missense changes on protein structure and function output the following: SIFT: "Tolerated"; PolyPhen-2: "Benign"; Align-GVGD: "Class C0". The arginine amino acid residue is found in multiple mammalian species, which suggests that this missense change does not adversely affect protein function. In summary, the available evidence is currently insufficient to determine the role of this variant in disease. Therefore, it has been classified as a Variant of Uncertain Significance.